The following is an entry in ClinVar:

ClinVar aggregate classification (germline): Uncertain significance. Review status: criteria provided, multiple submitters, no conflicts (2 of 4 stars). 2 submissions from 2 submitters: Uncertain significance (2). Last evaluated 2025-03-30.

Conditions:
Legius syndrome. Identifiers: Orphanet 137605, MedGen C1969623, MONDO:0012669, OMIM 611431. Disease mechanism: loss of function.
Cardiovascular phenotype. Identifiers: MedGen CN230736.

Allele frequency attached by ClinVar (database versions not stated): gnomAD exomes below 0.00001; ExAC 0.00001; TOPMed 0.00001; ESP Exome Variant Server 0.00008.
gnomAD v4.1: 3 of 1,614,046 alleles (0.00019%); highest among the groups gnomAD compares: African/African-American, 0.0027%; no homozygotes.

Submissions (2):

Ambry Genetics
Classification: Uncertain significance for Cardiovascular phenotype. Last evaluated: 2025-03-30. Review status: criteria provided, single submitter. Criteria: Ambry Variant Classification Scheme 2023. Collection method: clinical testing. Allele origin: germline.

Labcorp Genetics (formerly Invitae), Labcorp
Classification: Uncertain significance for Legius syndrome. Last evaluated: 2025-03-12. Review status: criteria provided, single submitter. Criteria: Invitae Variant Classification Sherloc (09022015). Collection method: clinical testing. Allele origin: germline.
Comment: This sequence change replaces valine, which is neutral and non-polar, with isoleucine, which is neutral and non-polar, at codon 366 of the SPRED1 protein (p.Val366Ile). This variant is present in population databases (rs372623722, gnomAD 0.008%). This variant has not been reported in the literature in individuals affected with SPRED1-related conditions. ClinVar contains an entry for this variant (Variation ID: 2898746). Invitae Evidence Modeling of protein sequence and biophysical properties (such as structural, functional, and spatial information, amino acid conservation, physicochemical variation, residue mobility, and thermodynamic stability) indicates that this missense variant is not expected to disrupt SPRED1 protein function with a negative predictive value of 80%. In summary, the available evidence is currently insufficient to determine the role of this variant in disease. Therefore, it has been classified as a Variant of Uncertain Significance.

NM_152594.3(SPRED1):c.1096G>A (p.Val366Ile)

Gene: SPRED1 (sprouty related EVH1 domain containing 1; plus strand). Cytogenetic location: 15q14.
Variant type: single nucleotide variant.
Coding change: c.1096G>A on transcript NM_152594.3 (MANE Select); coding-DNA position 1096, G replaced by A.
Protein change: p.Val366Ile; replaces valine 366 with isoleucine.
Molecular consequence: missense variant.
Genome position (GRCh38, 1-based): chr15:38,351,425, G>A. VCF-style: chr15-38351425-G-A. GRCh37 (hg19) VCF-style: chr15-38643626-G-A.
Other names: c.1096G>A (NM_152594.2); short protein forms V366I.
Identifiers: ClinVar variation 2898746 (VCV002898746.5), dbSNP rs372623722, ClinGen allele CA7470231.